The following is an entry in ClinVar:

NM_002227.4(JAK1):c.98A>G (p.Glu33Gly)

Genes: JAK1 (Janus kinase 1; minus strand), LOC129930680 (ATAC-STARR-seq lymphoblastoid active region 1132; plus strand). Cytogenetic location: 1p31.3.
Variant type: single nucleotide variant.
Coding change: c.98A>G on transcript NM_002227.4 (MANE Select); coding-DNA position 98, A replaced by G.
Protein change: p.Glu33Gly; replaces glutamic acid 33 with glycine.
Molecular consequence: missense variant.
Genome position (GRCh38, 1-based): chr1:64,883,384, T>C on the plus strand (A>G on the coding strand, the complement: JAK1 is on the minus strand). VCF-style: chr1-64883384-T-C. GRCh37 (hg19) VCF-style: chr1-65349067-T-C.
Other names: c.98A>G, p.Glu33Gly (NM_001320923.2, NM_001321852.2, NM_001321853.2 and 4 more transcripts); short protein forms E33G.
Identifiers: ClinVar variation 1372675 (VCV001372675.6), dbSNP rs2101266195, ClinGen allele CA340713910.

ClinVar aggregate classification (germline): Uncertain significance (1 of 4 stars; one submission).

Submission:

Labcorp Genetics (formerly Invitae), Labcorp
Classification: Uncertain significance. Last evaluated: 2021-02-15. Review status: criteria provided, single submitter. Criteria: Invitae Variant Classification Sherloc (09022015). Collection method: clinical testing. Allele origin: germline.
Comment: In summary, the available evidence is currently insufficient to determine the role of this variant in disease. Therefore, it has been classified as a Variant of Uncertain Significance. Algorithms developed to predict the effect of missense changes on protein structure and function are either unavailable or do not agree on the potential impact of this missense change (SIFT: "Not Available"; PolyPhen-2: "Benign"; Align-GVGD: "Not Available"). This variant has not been reported in the literature in individuals with JAK1-related conditions. This variant is not present in population databases (ExAC no frequency). This sequence change replaces glutamic acid with glycine at codon 33 of the JAK1 protein (p.Glu33Gly). The glutamic acid residue is weakly conserved and there is a moderate physicochemical difference between glutamic acid and glycine.